The following is an entry in ClinVar:

NM_001356.5(DDX3X):c.1019T>A (p.Phe340Tyr)

Gene: DDX3X (DEAD-box helicase 3 X-linked; plus strand). Cytogenetic location: Xp11.4.
Variant type: single nucleotide variant.
Coding change: c.1019T>A on transcript NM_001356.5 (MANE Select); coding-DNA position 1019, T replaced by A.
Protein change: p.Phe340Tyr; replaces phenylalanine 340 with tyrosine.
Molecular consequence: missense variant. On other transcripts: non-coding transcript variant (1).
Genome position (GRCh38, 1-based): chrX:41,344,393, T>A. VCF-style: chrX-41344393-T-A. GRCh37 (hg19) VCF-style: chrX-41203646-T-A.
Other names: c.1019T>A, p.Phe340Tyr (NM_001193416.3); c.971T>A, p.Phe324Tyr (NM_001193417.3); c.461T>A, p.Phe154Tyr (NM_001363819.1); short protein forms F154Y, F340Y, F324Y.
Identifiers: ClinVar variation 1405026 (VCV001405026.8), dbSNP rs2063893678, ClinGen allele CA412771186.

ClinVar aggregate classification (germline): Uncertain significance (1 of 4 stars; one submission).

Allele frequency attached by ClinVar (database versions not stated): TOPMed below 0.00001.

Submission:

Labcorp Genetics (formerly Invitae), Labcorp
Classification: Uncertain significance. Last evaluated: 2022-02-03. Review status: criteria provided, single submitter. Criteria: Invitae Variant Classification Sherloc (09022015). Collection method: clinical testing. Allele origin: germline.
Comment: In summary, the available evidence is currently insufficient to determine the role of this variant in disease. Therefore, it has been classified as a Variant of Uncertain Significance. Algorithms developed to predict the effect of missense changes on protein structure and function are either unavailable or do not agree on the potential impact of this missense change (SIFT: "Tolerated"; PolyPhen-2: "Not Available"; Align-GVGD: "Class C0"). This variant has not been reported in the literature in individuals affected with DDX3X-related conditions. This variant is not present in population databases (gnomAD no frequency). This sequence change replaces phenylalanine, which is neutral and non-polar, with tyrosine, which is neutral and polar, at codon 340 of the DDX3X protein (p.Phe340Tyr).